The following is an entry in ClinVar:

NM_006734.4(HIVEP2):c.2167A>G (p.Ile723Val)

Gene: HIVEP2 (HIVEP zinc finger 2; minus strand). Cytogenetic location: 6q24.2.
Variant type: single nucleotide variant.
Coding change: c.2167A>G on transcript NM_006734.4 (MANE Select); coding-DNA position 2167, A replaced by G.
Protein change: p.Ile723Val; replaces isoleucine 723 with valine.
Molecular consequence: missense variant.
Genome position (GRCh38, 1-based): chr6:142,772,572, T>C on the plus strand (A>G on the coding strand, the complement: HIVEP2 is on the minus strand). VCF-style: chr6-142772572-T-C. GRCh37 (hg19) VCF-style: chr6-143093709-T-C.
Other names: short protein forms I723V.
Identifiers: ClinVar variation 1721649 (VCV001721649.5), dbSNP rs765508340, ClinGen allele CA4028467.

ClinVar aggregate classification (germline): Uncertain significance (1 of 4 stars; one submission).

Allele frequency attached by ClinVar (database versions not stated): ExAC 0.00001.
gnomAD v4.1: 5 of 1,614,244 alleles (0.00031%); highest among the groups gnomAD compares: Non-Finnish European, 0.00034%; no homozygotes.

Submission:

Labcorp Genetics (formerly Invitae), Labcorp
Classification: Uncertain significance. Last evaluated: 2022-10-14. Review status: criteria provided, single submitter. Criteria: Invitae Variant Classification Sherloc (09022015). Collection method: clinical testing. Allele origin: germline.
Comment: In summary, the available evidence is currently insufficient to determine the role of this variant in disease. Therefore, it has been classified as a Variant of Uncertain Significance. Algorithms developed to predict the effect of missense changes on protein structure and function (SIFT, PolyPhen-2, Align-GVGD) all suggest that this variant is likely to be tolerated. This variant has not been reported in the literature in individuals affected with HIVEP2-related conditions. This variant is present in population databases (rs765508340, gnomAD 0.0009%). This sequence change replaces isoleucine, which is neutral and non-polar, with valine, which is neutral and non-polar, at codon 723 of the HIVEP2 protein (p.Ile723Val).